The following is an entry in ClinVar:

ClinVar aggregate classification (germline): Uncertain significance (1 of 4 stars; one submission).

gnomAD v4.1: 4 of 1,611,700 alleles (0.00025%); highest among the groups gnomAD compares: South Asian, 0.0033%; no homozygotes.

Submission:

Labcorp Genetics (formerly Invitae), Labcorp
Classification: Uncertain significance. Last evaluated: 2019-11-19. Review status: criteria provided, single submitter. Criteria: Invitae Variant Classification Sherloc (09022015). Collection method: clinical testing. Allele origin: germline.
Comment: In summary, the available evidence is currently insufficient to determine the role of this variant in disease. Therefore, it has been classified as a Variant of Uncertain Significance. Algorithms developed to predict the effect of missense changes on protein structure and function are either unavailable or do not agree on the potential impact of this missense change (SIFT: "Deleterious"; PolyPhen-2: "Possibly Damaging"; Align-GVGD: "Class C0"). This variant has not been reported in the literature in individuals with RBP4-related conditions. This variant is not present in population databases (ExAC no frequency). This sequence change replaces arginine with cysteine at codon 80 of the RBP4 protein (p.Arg80Cys). The arginine residue is moderately conserved and there is a large physicochemical difference between arginine and cysteine.

NM_006744.4(RBP4):c.238C>T (p.Arg80Cys)

Gene: RBP4 (retinol binding protein 4; minus strand). Cytogenetic location: 10q23.33.
Variant type: single nucleotide variant.
Coding change: c.238C>T on transcript NM_006744.4 (MANE Select); coding-DNA position 238, C replaced by T.
Protein change: p.Arg80Cys; replaces arginine 80 with cysteine.
Molecular consequence: missense variant.
Genome position (GRCh38, 1-based): chr10:93,600,677, G>A on the plus strand (C>T on the coding strand, the complement: RBP4 is on the minus strand). VCF-style: chr10-93600677-G-A. GRCh37 (hg19) VCF-style: chr10-95360434-G-A.
Other names: c.238C>T, p.Arg80Cys (NM_001323517.1); c.232C>T, p.Arg78Cys (NM_001323518.2); short protein forms R78C, R80C.
Identifiers: ClinVar variation 843115 (VCV000843115.9), dbSNP rs2058330765, ClinGen allele CA377617902.